The following is an entry in ClinVar:

ClinVar aggregate classification (germline): Uncertain significance (1 of 4 stars; one submission).

Conditions:
SHANK3-related disorder. Also called: SHANK3-related condition.

Submission:

PreventionGenetics, part of Exact Sciences
Classification: Uncertain significance for SHANK3-related condition. Last evaluated: 2025-07-19. Review status: criteria provided, single submitter. Criteria: ACMG Guidelines, 2015. Collection method: clinical testing. Allele origin: germline.
Comment: The SHANK3 c.2111C>T variant is predicted to result in the amino acid substitution p.Ala704Val. To our knowledge, this variant has not been reported in the literature or in a large population database (gnomAD), indicating this variant is rare. At this time, the clinical significance of this variant is uncertain due to the absence of conclusive functional and genetic evidence.

NM_001372044.2(SHANK3):c.2336C>T (p.Ala779Val)

Gene: SHANK3 (SH3 and multiple ankyrin repeat domains 3; plus strand). Cytogenetic location: 22q13.33.
Variant type: single nucleotide variant.
Coding change: c.2336C>T on transcript NM_001372044.2 (MANE Select); coding-DNA position 2336, C replaced by T.
Protein change: p.Ala779Val; replaces alanine 779 with valine.
Molecular consequence: missense variant.
Genome position (GRCh38, 1-based): chr22:50,711,615, C>T. VCF-style: chr22-50711615-C-T. GRCh37 (hg19) VCF-style: chr22-51150043-C-T.
Other names: c.2111C>T (NM_033517.1); short protein forms A779V.
Identifiers: ClinVar variation 4984855 (VCV004984855.1).
Genomic context (GRCh38, chr22:50,711,615, plus strand): 5'-AATGGGGCCCGGGTGCCGAGCCTGCCTCTTACTCCCTTTACTCTGTTTCTTGATTCCAAG[C>T]CTCCATTCGGAGAAGAAAAGGGGGTGAGTCATCTGCCTGTGTCCCCAGGGCCTTGGCTTT-3'
Protein context (NP_001358973.1, residues 769-789): KSMTAELEEL[Ala779Val]SIRRRKGEKL